The following is an entry in ClinVar:

ClinVar aggregate classification (germline): Uncertain significance (1 of 4 stars; one submission).

Submission:

Labcorp Genetics (formerly Invitae), Labcorp
Classification: Uncertain significance. Last evaluated: 2022-10-25. Review status: criteria provided, single submitter. Criteria: Invitae Variant Classification Sherloc (09022015). Collection method: clinical testing. Allele origin: germline.
Comment: This sequence change replaces histidine, which is basic and polar, with arginine, which is basic and polar, at codon 577 of the EYS protein (p.His577Arg). The frequency data for this variant in the population databases is considered unreliable, as metrics indicate poor data quality at this position in the gnomAD database. This variant has not been reported in the literature in individuals affected with EYS-related conditions. ClinVar contains an entry for this variant (Variation ID: 1508321). Algorithms developed to predict the effect of missense changes on protein structure and function (SIFT, PolyPhen-2, Align-GVGD) all suggest that this variant is likely to be tolerated. In summary, the available evidence is currently insufficient to determine the role of this variant in disease. Therefore, it has been classified as a Variant of Uncertain Significance.

NM_001142800.2(EYS):c.1730A>G (p.His577Arg)

Gene: EYS (eyes shut homolog; minus strand). Cytogenetic location: 6q12.
Variant type: single nucleotide variant.
Coding change: c.1730A>G on transcript NM_001142800.2 (MANE Select); coding-DNA position 1730, A replaced by G.
Protein change: p.His577Arg; replaces histidine 577 with arginine.
Molecular consequence: missense variant.
Genome position (GRCh38, 1-based): chr6:65,335,016, T>C on the plus strand (A>G on the coding strand, the complement: EYS is on the minus strand). VCF-style: chr6-65335016-T-C. GRCh37 (hg19) VCF-style: chr6-66044909-T-C.
Other names: c.1730A>G, p.His577Arg (NM_001142801.2, NM_001292009.2, NM_198283.2); short protein forms H577R.
Identifiers: ClinVar variation 1508321 (VCV001508321.5), dbSNP rs1240852149, ClinGen allele CA364660978.